The following is an entry in ClinVar:

NM_004836.7(EIF2AK3):c.1897C>T (p.Arg633Trp)

Gene: EIF2AK3 (eukaryotic translation initiation factor 2 alpha kinase 3; minus strand). Cytogenetic location: 2p11.2.
Variant type: single nucleotide variant.
Coding change: c.1897C>T on transcript NM_004836.7 (MANE Select); coding-DNA position 1897, C replaced by T.
Protein change: p.Arg633Trp; replaces arginine 633 with tryptophan.
Molecular consequence: missense variant.
Genome position (GRCh38, 1-based): chr2:88,576,693, G>A on the plus strand (C>T on the coding strand, the complement: EIF2AK3 is on the minus strand). VCF-style: chr2-88576693-G-A. GRCh37 (hg19) VCF-style: chr2-88876211-G-A.
Other names: c.1444C>T, p.Arg482Trp (NM_001313915.2); short protein forms R482W, R633W.
Identifiers: ClinVar variation 2203113 (VCV002203113.4), dbSNP rs748318874, ClinGen allele CA1754556.

ClinVar aggregate classification (germline): Pathogenic/Likely pathogenic. Review status: criteria provided, multiple submitters, no conflicts (2 of 4 stars). 2 submissions from 2 submitters: Pathogenic (1); Likely pathogenic (1). Last evaluated 2025-09-02.

Conditions:
Wolcott-Rallison dysplasia. Also called: Wolcott-Rallison syndrome; MED-IDDM SYNDROME. Identifiers: Orphanet 1667, MedGen C0432217, MONDO:0009192, OMIM 226980.

Allele frequency attached by ClinVar (database versions not stated): TOPMed below 0.00001; ExAC 0.00001; gnomAD 0.00001; gnomAD exomes 0.00001.

Submissions (2):

Labcorp Genetics (formerly Invitae), Labcorp
Classification: Likely pathogenic. Last evaluated: 2025-09-02. Review status: criteria provided, single submitter. Criteria: Invitae Variant Classification Sherloc (09022015). Collection method: clinical testing. Allele origin: germline.
Comment: This sequence change replaces arginine, which is basic and polar, with tryptophan, which is neutral and slightly polar, at codon 633 of the EIF2AK3 protein (p.Arg633Trp). This variant is present in population databases (rs748318874, gnomAD 0.006%). This missense change has been observed in individuals with Wolcott-Rallison syndrome (PMID: 19837917, 26860746, 34426871). It has also been observed to segregate with disease in related individuals. This variant is also known as R632W. ClinVar contains an entry for this variant (Variation ID: 2203113). An algorithm developed to predict the effect of missense changes on protein structure and function (PolyPhen-2) suggests that this variant is likely to be disruptive. In summary, the currently available evidence indicates that the variant is pathogenic, but additional data are needed to prove that conclusively. Therefore, this variant has been classified as Likely Pathogenic.

Women's Health and Genetics/Laboratory Corporation of America, LabCorp
Classification: Pathogenic for Wolcott-Rallison dysplasia. Last evaluated: 2023-11-06. Review status: criteria provided, single submitter. Criteria: LabCorp Variant Classification Summary - May 2015. Collection method: clinical testing. Allele origin: germline.
Comment: Variant summary: EIF2AK3 c.1897C>T (p.Arg633Trp) results in a non-conservative amino acid change located in the Protein kinase domain (IPR000719) of the encoded protein sequence. Four of five in-silico tools predict a damaging effect of the variant on protein function. The variant allele was found at a frequency of 1.2e-05 in 250898 control chromosomes (gnomAD). The available data on variant occurrences in the general population are insufficient to allow any conclusion about variant significance. c.1897C>T has been reported in the literature in multiple homozygous individuals and at least one compound heterozygous individual reported to be affected with neonatal diabetes and/or Wolcott-Rallison dysplasia (e.g., Rubio-Cabezas_2009, Ellard_2013, Flanagan_2014, Dias_2016, Abbasi_2018, Laimon_2021). These data indicate that the variant is very likely to be associated with disease. The following publications have been ascertained in the context of this evaluation (PMID: 19837917, 23771172, 24411943, 26860746, 28843469, 34426871). One submitter has reported clinical-significance assessments for this variant to ClinVar after 2014 and has classified the variant as uncertain significance, citing only partially overlapping evidence used in the context of this evaluation. Based on the evidence outlined above, the variant was classified as pathogenic.

Literature cited by the submitters: PubMed 19837917 (cited by Labcorp Genetics (formerly Invitae), Labcorp and Women's Health and Genetics/Laboratory Corporation of America, LabCorp); PubMed 26860746 (cited by Labcorp Genetics (formerly Invitae), Labcorp and Women's Health and Genetics/Laboratory Corporation of America, LabCorp); PubMed 34426871 (cited by Labcorp Genetics (formerly Invitae), Labcorp and Women's Health and Genetics/Laboratory Corporation of America, LabCorp); PubMed 24411943 (cited by Women's Health and Genetics/Laboratory Corporation of America, LabCorp); PubMed 28843469 (cited by Women's Health and Genetics/Laboratory Corporation of America, LabCorp); PubMed 23771172 (cited by Women's Health and Genetics/Laboratory Corporation of America, LabCorp).